The following is an entry in ClinVar:

ClinVar aggregate classification (germline): Uncertain significance. Review status: criteria provided, multiple submitters, no conflicts (2 of 4 stars). 2 submissions from 2 submitters: Uncertain significance (2). Last evaluated 2025-10-14.

Conditions:
Inborn genetic diseases. Identifiers: MedGen C0950123, MeSH D030342.
Diamond-Blackfan anemia. Also called: Blackfan Diamond syndrome; Aregenerative anemia chronic congenital; Red cell aplasia, pure hereditary; Congenital hypoplastic anemia; Aase syndrome. Identifiers: Orphanet 124, MedGen C1260899, MeSH D029503, MONDO:0015253, HP:0004810.
GATA binding protein 1 related thrombocytopenia with dyserythropoiesis. Also called: GATA1-Related Cytopenia; GATA1-Related X-Linked Cytopenia. Identifiers: MedGen C1845837, MONDO:0100089.

gnomAD v4.1: 2 of 1,191,349 alleles (0.00017%); highest among the groups gnomAD compares: African/African-American, 0.0035%; no homozygotes.

Submissions (2):

Labcorp Genetics (formerly Invitae), Labcorp
Classification: Uncertain significance for GATA binding protein 1 related thrombocytopenia with dyserythropoiesis; Diamond-Blackfan anemia. Last evaluated: 2025-10-14. Review status: criteria provided, single submitter. Criteria: Invitae Variant Classification Sherloc (09022015). Collection method: clinical testing. Allele origin: germline.
Comment: This sequence change replaces glycine, which is neutral and non-polar, with arginine, which is basic and polar, at codon 397 of the GATA1 protein (p.Gly397Arg). This variant is present in population databases (rs781902307, gnomAD 0.008%). This variant has not been reported in the literature in individuals affected with GATA1-related conditions. ClinVar contains an entry for this variant (Variation ID: 3518974). Invitae Evidence Modeling of protein sequence and biophysical properties (such as structural, functional, and spatial information, amino acid conservation, physicochemical variation, residue mobility, and thermodynamic stability) indicates that this missense variant is not expected to disrupt GATA1 protein function with a negative predictive value of 95%. In summary, the available evidence is currently insufficient to determine the role of this variant in disease. Therefore, it has been classified as a Variant of Uncertain Significance.

Ambry Genetics
Classification: Uncertain significance for Inborn genetic diseases. Last evaluated: 2024-08-21. Review status: criteria provided, single submitter. Criteria: Ambry Variant Classification Scheme 2023. Collection method: clinical testing. Allele origin: germline.

NM_002049.4(GATA1):c.1189G>C (p.Gly397Arg)

Gene: GATA1 (GATA binding protein 1; plus strand). Cytogenetic location: Xp11.23.
Variant type: single nucleotide variant.
Coding change: c.1189G>C on transcript NM_002049.4 (MANE Select); coding-DNA position 1189, G replaced by C.
Protein change: p.Gly397Arg; replaces glycine 397 with arginine.
Molecular consequence: missense variant.
Genome position (GRCh38, 1-based): chrX:48,794,111, G>C. VCF-style: chrX-48794111-G-C. GRCh37 (hg19) VCF-style: chrX-48652518-G-C.
Other names: short protein forms G397R.
Identifiers: ClinVar variation 3518974 (VCV003518974.2).